The following is an entry in ClinVar:

ClinVar aggregate classification (germline): Likely benign (1 of 4 stars; one submission).

Submission:

CeGaT Center for Human Genetics Tuebingen
Classification: Likely benign. Last evaluated: 2022-11-01. Review status: criteria provided, single submitter. Criteria: CeGaT Center For Human Genetics Tuebingen Variant Classification Criteria Version 2. Collection method: clinical testing. Allele origin: germline. Affected: yes. Observed: 2 variant alleles.
Comment: SP8: PM2:Supporting, BP4, BP7

NM_182700.6(SP8):c.279A>C (p.Ala93=)

Gene: SP8 (Sp8 transcription factor; minus strand). Cytogenetic location: 7p21.1.
Variant type: single nucleotide variant.
Coding change: c.279A>C on transcript NM_182700.6 (MANE Select); coding-DNA position 279, A replaced by C.
Protein change: p.Ala93=; no amino-acid change (alanine 93 retained).
Molecular consequence: synonymous variant.
Genome position (GRCh38, 1-based): chr7:20,785,538, T>G on the plus strand (A>C on the coding strand, the complement: SP8 is on the minus strand). VCF-style: chr7-20785538-T-G. GRCh37 (hg19) VCF-style: chr7-20825157-T-G.
Other names: c.225A>C, p.Ala75= (NM_198956.4).
Identifiers: ClinVar variation 2657340 (VCV002657340.24), dbSNP rs911129324, ClinGen allele CA454137797.
Genomic context (GRCh38, chr7:20,785,538, plus strand): 5'-GGAGCCAGGCGAGCCGCCGCAGCTGAACGAGTCGGACACCAGGGCCGCGGCAGCCGCGGC[T>G]GCTGCCGCGGCCGCCGCAGCCGCCGAGGACGAGCCGCCGTTCCTGGAGGCCCCGGACACG-3'
Protein context (NP_874359.2, residues 83-103): SSSAAAAAAA[Ala93=]AAAAAALVSD